The following is an entry in ClinVar:

NM_005035.4(POLRMT):c.1632C>T (p.Pro544=)

Gene: POLRMT (RNA polymerase mitochondrial; minus strand). Cytogenetic location: 19p13.3.
Variant type: single nucleotide variant.
Coding change: c.1632C>T on transcript NM_005035.4 (MANE Select); coding-DNA position 1632, C replaced by T.
Protein change: p.Pro544=; no amino-acid change (proline 544 retained).
Molecular consequence: synonymous variant. On other transcripts: non-coding transcript variant (1), intron variant (2).
Genome position (GRCh38, 1-based): chr19:622,368, G>A on the plus strand (C>T on the coding strand, the complement: POLRMT is on the minus strand). VCF-style: chr19-622368-G-A. GRCh37 (hg19) VCF-style: chr19-622368-G-A.
Other names: c.1632C>T, p.Pro544= (NM_001407805.1, NM_001407808.1, NM_001407812.1 and 4 more transcripts); c.1623C>T, p.Pro541= (NM_001407806.1, NM_001407809.1); c.1620C>T, p.Pro540= (NM_001407807.1, NM_001407810.1); c.1590C>T, p.Pro530= (NM_001407811.1, NM_001407813.1); c.1308C>T, p.Pro436= (NM_001407831.1, NM_001407833.1, NM_001407835.1 and 1 more transcripts); c.1299C>T, p.Pro433= (NM_001407834.1); c.1626+214C>T (NM_001407832.1, NM_001407830.1).
Identifiers: ClinVar variation 4872734 (VCV004872734.3).

ClinVar aggregate classification (germline): Likely benign. Review status: criteria provided, multiple submitters, no conflicts (2 of 4 stars). 2 submissions from 2 submitters: Likely benign (2). Last evaluated 2026-04-01.

gnomAD v4.1: 260 of 1,549,120 alleles (0.017%); highest among the groups gnomAD compares: African/African-American, 0.32%; no homozygotes.

Submissions (2):

CeGaT Center for Human Genetics Tuebingen
Classification: Likely benign. Last evaluated: 2026-04-01. Review status: criteria provided, single submitter. Criteria: CeGaT Center For Human Genetics Tuebingen Variant Classification Criteria Version 2. Collection method: clinical testing. Allele origin: germline. Affected: yes. Observed: 1 variant allele.
Comment: POLRMT: BP4, BP7

Blueprint Genetics
Classification: Likely benign. Last evaluated: 2021-12-15. Review status: criteria provided, single submitter. Criteria: ACMG Guidelines, 2015. Collection method: clinical testing. Allele origin: germline.